The following is an entry in ClinVar:

ClinVar aggregate classification (germline): Benign/Likely benign. Review status: criteria provided, multiple submitters, no conflicts (2 of 4 stars). 3 submissions from 3 submitters: Benign (1); Likely benign (1). 1 of the submissions does not count toward it. Last evaluated 2026-01-20.

Conditions:
ABCA12-related disorder. Also called: ABCA12-related condition.

Allele frequency attached by ClinVar (database versions not stated): gnomAD exomes 0.00005 and 0.00012; ExAC 0.00014; 1000 Genomes Project 30x 0.00031; 1000 Genomes Project 0.00040; TOPMed 0.00049; ESP Exome Variant Server 0.00054; gnomAD 0.00054 and 0.00058.
gnomAD v4.1: 156 of 1,614,088 alleles (0.0097%); highest among the groups gnomAD compares: African/African-American, 0.18%; no homozygotes.

Submissions (3):

Labcorp Genetics (formerly Invitae), Labcorp
Classification: Benign. Last evaluated: 2026-01-20. Review status: criteria provided, single submitter. Criteria: Invitae Variant Classification Sherloc (09022015). Collection method: clinical testing. Allele origin: germline.

PreventionGenetics, part of Exact Sciences
Classification: Likely benign for ABCA12-related condition. Last evaluated: 2025-08-14. Review status: criteria provided, single submitter. Criteria: ACMG Guidelines, 2015. Collection method: clinical testing. Allele origin: germline.
Comment: This variant is classified as likely benign based on ACMG/AMP sequence variant interpretation guidelines (Richards et al. 2015 PMID: 25741868, with internal and published modifications).

Department of Pathology and Laboratory Medicine, Sinai Health System
Classification: Uncertain significance. Review status: no assertion criteria provided. Collection method: clinical testing. Allele origin: unknown. Affected: yes. Study: The Canadian Open Genetics Repository (COGR). Not counted in ClinVar's aggregate classification.
Comment: The ABCA12 p.Arg1741Cys variant was not identified in the literature nor was it identified in ClinVar, Cosmic, or LOVD 3.0. The variant was identified in dbSNP (ID: rs141036904) and in control databases in 47 of 282662 chromosomes at a frequency of 0.000166 (Genome Aggregation Database Feb 27, 2017). The variant was observed in the following populations: African in 43 of 24956 chromosomes (freq: 0.001723), Latino in 3 of 35420 chromosomes (freq: 0.000085) and European (non-Finnish) in 1 of 129038 chromosomes (freq: 0.000008); it was not observed in the Ashkenazi Jewish, East Asian, European (Finnish), Other, and South Asian populations. The p.Arg1741 residue is conserved across mammals and other organisms, and computational analyses (PolyPhen-2, SIFT, AlignGVGD, BLOSUM, MutationTaster) suggest that the variant may impact the protein; however, this information is not predictive enough to assume pathogenicity. The variant occurs outside of the splicing consensus sequence and in silico or computational prediction software programs (SpliceSiteFinder, MaxEntScan, NNSPLICE, GeneSplicer) do not predict a difference in splicing. In summary, based on the above information the clinical significance of this variant cannot be determined with certainty at this time. This variant is classified as a variant of uncertain significance.

NM_173076.3(ABCA12):c.5221C>T (p.Arg1741Cys)

Gene: ABCA12 (ATP binding cassette subfamily A member 12; minus strand). Cytogenetic location: 2q35.
Variant type: single nucleotide variant.
Coding change: c.5221C>T on transcript NM_173076.3 (MANE Select); coding-DNA position 5221, C replaced by T.
Protein change: p.Arg1741Cys; replaces arginine 1741 with cysteine.
Molecular consequence: missense variant. On other transcripts: non-coding transcript variant (1).
Genome position (GRCh38, 1-based): chr2:214,975,945, G>A on the plus strand (C>T on the coding strand, the complement: ABCA12 is on the minus strand). VCF-style: chr2-214975945-G-A. GRCh37 (hg19) VCF-style: chr2-215840669-G-A.
Other names: c.4267C>T, p.Arg1423Cys (NM_015657.4); c.5221C>T (NM_173076.2); short protein forms R1423C, R1741C.
Identifiers: ClinVar variation 1049981 (VCV001049981.7), dbSNP rs141036904, ClinGen allele CA2091275.